The following is an entry in ClinVar:

ClinVar aggregate classification (germline): Pathogenic (1 of 4 stars; one submission).

Conditions:
Lysinuric protein intolerance (LPI). Identifiers: Orphanet 470, MedGen C0268647, MONDO:0009109, OMIM 222700.

Submission:

Labcorp Genetics (formerly Invitae), Labcorp
Classification: Pathogenic for Lysinuric protein intolerance. Last evaluated: 2021-01-05. Review status: criteria provided, single submitter. Criteria: Invitae Variant Classification Sherloc (09022015). Collection method: clinical testing. Allele origin: germline.
Comment: For these reasons, this variant has been classified as Pathogenic. This variant has not been reported in the literature in individuals with SLC7A7-related conditions. This variant is not present in population databases (ExAC no frequency). This sequence change creates a premature translational stop signal (p.Ile203Serfs*2) in the SLC7A7 gene. It is expected to result in an absent or disrupted protein product. Loss-of-function variants in SLC7A7 are known to be pathogenic (PMID: 10631139, 17764084).

Literature cited by the submitters: PubMed 10631139; PubMed 17764084.

NM_003982.4(SLC7A7):c.608_609del (p.Ile203fs)

Gene: SLC7A7 (solute carrier family 7 member 7; minus strand). Cytogenetic location: 14q11.2.
Variant type: Deletion.
Coding change: c.608_609del on transcript NM_003982.4 (MANE Select); coding-DNA positions 608 to 609, 2 bases deleted (TT; older notation c.608_609delTT).
Protein change: p.Ile203fs; shifts the reading frame from isoleucine 203.
Molecular consequence: frameshift variant.
Genome position (GRCh38, 1-based): chr14:22,779,942-22,779,943, AA deleted on the plus strand (TT on the coding strand, the reverse complement: SLC7A7 is on the minus strand). VCF-style (leftmost placement, unchanged base first): chr14-22779941-CAA-C. GRCh37 (hg19) VCF-style: chr14-23249150-CAA-C.
Other names: c.608_609del, p.Ile203fs (NM_001126105.3, NM_001126106.4); short protein forms I203fs.
Identifiers: ClinVar variation 1430248 (VCV001430248.6), dbSNP rs2139397147, ClinGen allele CA2573149746.